The following is an entry in ClinVar:

NM_000231.3(SGCG):c.160dup (p.Thr54fs)

Gene: SGCG (sarcoglycan gamma; plus strand). Cytogenetic location: 13q12.12.
Variant type: Duplication.
Coding change: c.160dup on transcript NM_000231.3 (MANE Select); coding-DNA position 160, one base duplicated (A; older notation c.160dupA).
Protein change: p.Thr54fs; shifts the reading frame from threonine 54.
Molecular consequence: frameshift variant.
Genome position (GRCh38, 1-based): chr13:23,203,854, A duplicated. VCF-style (leftmost placement, unchanged base first): chr13-23203853-T-TA. GRCh37 (hg19) VCF-style: chr13-23777992-T-TA.
Other names: c.214dup, p.Thr72fs (NM_001378244.1); c.160dup, p.Thr54fs (NM_001378245.1, NM_001378246.1); short protein forms T72fs, T54fs.
Identifiers: ClinVar variation 5003652 (VCV005003652.1).

ClinVar aggregate classification (germline): Pathogenic (1 of 4 stars; one submission).

Conditions:
Autosomal recessive limb-girdle muscular dystrophy type 2C (LGMDR5). Also called: MUSCULAR DYSTROPHY, LIMB-GIRDLE, AUTOSOMAL RECESSIVE 5; MUSCULAR DYSTROPHY, DUCHENNE-LIKE. Identifiers: Orphanet 353, MedGen C0410173, MONDO:0009677, OMIM 253700. Disease mechanism: Affects gamma-sarcoglycan and also disrupts the integrity of the entire sarcoglycan complex..

Submission:

Myriad Genetics, Inc.
Classification: Pathogenic for Autosomal recessive limb-girdle muscular dystrophy type 2C. Last evaluated: 2026-01-22. Review status: criteria provided, single submitter. Criteria: Myriad Autosomal Dominant, Autosomal Recessive and X-Linked Classification Criteria (2023). Collection method: clinical testing. Allele origin: unknown.
Comment: NM_000231.2(SGCG):c.160dupA(T54Nfs*6) is a frameshift variant classified as pathogenic in the context of gamma-sarcoglycanopathy. T54Nfs*6 has not been observed in cases with relevant disease. Relevant functional assessments of this variant are not available in the literature. T54Nfs*6 has not been observed in referenced population frequency databases. In summary, NM_000231.2(SGCG):c.160dupA(T54Nfs*6) is a frameshift variant in a gene where loss of function is a known mechanism of disease and is predicted to disrupt protein function. Please note: this variant was assessed in the context of healthy population screening.